The following is an entry in ClinVar:

ClinVar aggregate classification (germline): Likely benign. Review status: criteria provided, multiple submitters, no conflicts (2 of 4 stars). 2 submissions from 2 submitters: Likely benign (2). Last evaluated 2025-10-01.

gnomAD v4.1: 146 of 1,614,000 alleles (0.009%); highest among the groups gnomAD compares: South Asian, 0.0011%; 1 homozygote.

Submissions (2):

CeGaT Center for Human Genetics Tuebingen
Classification: Likely benign. Last evaluated: 2025-10-01. Review status: criteria provided, single submitter. Criteria: CeGaT Center For Human Genetics Tuebingen Variant Classification Criteria Version 2. Collection method: clinical testing. Allele origin: germline. Affected: yes. Observed: 1 variant allele.
Comment: VPS13D: BS2

Labcorp Genetics (formerly Invitae), Labcorp
Classification: Likely benign. Last evaluated: 2023-10-03. Review status: criteria provided, single submitter. Criteria: Invitae Variant Classification Sherloc (09022015). Collection method: clinical testing. Allele origin: germline.

NM_015378.4(VPS13D):c.4291C>G (p.Leu1431Val)

Gene: VPS13D (vacuolar protein sorting 13 homolog D; plus strand). Cytogenetic location: 1p36.22.
Variant type: single nucleotide variant.
Coding change: c.4291C>G on transcript NM_015378.4 (MANE Select); coding-DNA position 4291, C replaced by G.
Protein change: p.Leu1431Val; replaces leucine 1431 with valine.
Molecular consequence: missense variant.
Genome position (GRCh38, 1-based): chr1:12,277,879, C>G. VCF-style: chr1-12277879-C-G. GRCh37 (hg19) VCF-style: chr1-12337936-C-G.
Other names: c.4291C>G, p.Leu1431Val (NM_018156.4); short protein forms L1431V.
Identifiers: ClinVar variation 2722874 (VCV002722874.9), dbSNP rs72866605, ClinGen allele CA602109.